The following is an entry in ClinVar:

ClinVar aggregate classification (germline): Uncertain significance (1 of 4 stars; one submission).

Conditions:
Combined immunodeficiency due to DOCK8 deficiency (HIES2). Also called: HIES autosomal recessive; HYPER-IgE RECURRENT INFECTION SYNDROME 2, AUTOSOMAL RECESSIVE; HYPER-IgE SYNDROME 2, AUTOSOMAL RECESSIVE, WITH RECURRENT INFECTIONS; DOCK8 Deficiency; Hyper-IgE recurrent infection syndrome, autosomal recessive. Identifiers: Orphanet 217390, MedGen C4722305, MONDO:0009478, OMIM 243700.

Allele frequency attached by ClinVar (database versions not stated): ExAC 0.00001; gnomAD exomes 0.00001.
gnomAD v4.1: 39 of 1,613,818 alleles (0.0024%); highest among the groups gnomAD compares: Non-Finnish European, 0.0032%; no homozygotes.

Submission:

Labcorp Genetics (formerly Invitae), Labcorp
Classification: Uncertain significance for Combined immunodeficiency due to DOCK8 deficiency. Last evaluated: 2021-08-27. Review status: criteria provided, single submitter. Criteria: Invitae Variant Classification Sherloc (09022015). Collection method: clinical testing. Allele origin: germline.
Comment: This sequence change replaces isoleucine with leucine at codon 1050 of the DOCK8 protein (p.Ile1050Leu). The isoleucine residue is moderately conserved and there is a small physicochemical difference between isoleucine and leucine. This variant is present in population databases (rs759466659, ExAC 0.002%). This variant has not been reported in the literature in individuals affected with DOCK8-related conditions. Algorithms developed to predict the effect of missense changes on protein structure and function are either unavailable or do not agree on the potential impact of this missense change (SIFT: "Tolerated"; PolyPhen-2: "Possibly Damaging"; Align-GVGD: "Class C0"). In summary, the available evidence is currently insufficient to determine the role of this variant in disease. Therefore, it has been classified as a Variant of Uncertain Significance.

NM_203447.4(DOCK8):c.3148A>C (p.Ile1050Leu)

Gene: DOCK8 (dedicator of cytokinesis 8; plus strand). Cytogenetic location: 9p24.3.
Variant type: single nucleotide variant.
Coding change: c.3148A>C on transcript NM_203447.4 (MANE Select); coding-DNA position 3148, A replaced by C.
Protein change: p.Ile1050Leu; replaces isoleucine 1050 with leucine.
Molecular consequence: missense variant.
Genome position (GRCh38, 1-based): chr9:399,173, A>C. VCF-style: chr9-399173-A-C. GRCh37 (hg19) VCF-style: chr9-399173-A-C.
Other names: c.2848A>C, p.Ile950Leu (NM_001190458.2); c.2944A>C, p.Ile982Leu (NM_001193536.2); short protein forms I982L, I1050L, I950L.
Identifiers: ClinVar variation 1040580 (VCV001040580.6), dbSNP rs759466659, ClinGen allele CA4958536.